The following is an entry in ClinVar:

NM_001267550.2(TTN):c.68161G>A (p.Glu22721Lys)

Genes: TTN (titin; minus strand), TTN-AS1 (TTN antisense RNA 1; plus strand), LOC126806423 (CDK7 strongly-dependent group 2 enhancer GRCh37_chr2:179443309-179444508; plus strand). Cytogenetic location: 2q31.2.
Variant type: single nucleotide variant.
Coding change: c.68161G>A on transcript NM_001267550.2 (MANE Select); coding-DNA position 68161, G replaced by A.
Protein change: p.Glu22721Lys; replaces glutamic acid 22721 with lysine.
Molecular consequence: missense variant.
Genome position (GRCh38, 1-based): chr2:178,578,869, C>T on the plus strand (G>A on the coding strand, the complement: TTN is on the minus strand). VCF-style: chr2-178578869-C-T. GRCh37 (hg19) VCF-style: chr2-179443596-C-T.
Other names: p.E21080K:GAA>AAA; c.63238G>A, p.Glu21080Lys (NM_001256850.1); c.60457G>A, p.Glu20153Lys (NM_133378.4); c.40966G>A, p.Glu13656Lys (NM_003319.4); c.41341G>A, p.Glu13781Lys (NM_133432.3); c.41542G>A, p.Glu13848Lys (NM_133437.4); short protein forms E20153K, E22721K, E21080K, E13848K, E13656K, E13781K.
Identifiers: ClinVar variation 191911 (VCV000191911.20), dbSNP rs374492812, ClinGen allele CA302453.
Genomic context (GRCh38, chr2:178,578,869, plus strand): 5'-ATGGATGTCTCGCAACAATTGGCTCCGATTTCAGGCCTTCCCCTACACCATATTTATTTT[C>T]GGCACTGACCCTGAAGGTATATTCCATGCCCTCATGAAGTCTGGTTACTCTAAAGGTGGT-3'
Protein context (NP_001254479.2, residues 22711-22731): GMEYTFRVSA[Glu22721Lys]NKYGVGEGLK

ClinVar aggregate classification (germline): Conflicting classifications of pathogenicity. Review status: criteria provided, conflicting classifications (1 of 4 stars). 13 submissions from 9 submitters: Uncertain significance (9); Benign (1); Likely benign (3). Last evaluated 2026-06-22.

Conditions:
TTN-related disorder. Also called: TTN-related condition; TTN-related disease; TTN-related disorders.
Cardiovascular phenotype. Identifiers: MedGen CN230736.
Dilated cardiomyopathy 1G (CMD1G). Identifiers: Orphanet 154, MedGen C1858763, MONDO:0011400, OMIM 604145.
Autosomal recessive limb-girdle muscular dystrophy type 2J (LGMDR10). Also called: Limb-girdle muscular dystrophy, type 2J; MUSCULAR DYSTROPHY, LIMB-GIRDLE, AUTOSOMAL RECESSIVE 10. Identifiers: Orphanet 140922, MedGen C1837342, MONDO:0012127, OMIM 608807.
Tibial muscular dystrophy (TMD). Also called: Udd Distal Myopathy – Tibial Muscular Dystrophy; UDD MYOPATHY; Tibial muscular dystrophy, tardive. Identifiers: Orphanet 609, MedGen C1838244, MONDO:0010870, OMIM 600334.
Early-onset myopathy with fatal cardiomyopathy (CMYO5). Also called: CONGENITAL MYOPATHY 5 WITH CARDIOMYOPATHY; Salih Myopathy. Identifiers: Orphanet 289377, MedGen C2673677, MONDO:0012714, OMIM 611705. Disease mechanism: loss of function.
Myopathy, myofibrillar, 9, with early respiratory failure (MFM9). Also called: Hereditary myopathy with early respiratory failure; EDSTROM MYOPATHY; MYOPATHY, PROXIMAL, WITH EARLY RESPIRATORY MUSCLE INVOLVEMENT; Myopathy, distal, with early respiratory failure, autosomal dominant. Identifiers: Orphanet 178464, Orphanet 34521, MedGen C1863599, MONDO:0011362, OMIM 603689.

Allele frequency attached by ClinVar (database versions not stated): ESP Exome Variant Server 0.00008; gnomAD exomes 0.00010 and 0.00012; ExAC 0.00011; gnomAD 0.00011; TOPMed 0.00014; 1000 Genomes Project 30x 0.00016; 1000 Genomes Project 0.00020.
gnomAD v4.1: 167 of 1,613,142 alleles (0.01%); highest among the groups gnomAD compares: African/African-American, 0.021%; no homozygotes.

Submissions (13):

PreventionGenetics, part of Exact Sciences
Classification: Uncertain significance for TTN-related condition. Last evaluated: 2026-06-22. Review status: criteria provided, single submitter. Criteria: ACMG Guidelines, 2015. Collection method: clinical testing. Allele origin: germline.
Comment: The TTN c.68161G>A variant is predicted to result in the amino acid substitution p.Glu22721Lys. This variant has been reported in an individual with hypertrophic cardiomyopathy (described as p.Glu20153Lys in Supplementary File 2, van Lint et al. 2019. PubMed ID: 30847666). This variant is reported in 0.037% of alleles in individuals of African descent in gnomAD. Although we suspect that this variant may be benign, at this time, the clinical significance of this variant is uncertain due to the absence of conclusive functional and genetic evidence.

Blueprint Genetics
Classification: Likely benign. Last evaluated: 2023-10-06. Review status: criteria provided, single submitter. Criteria: ACMG Guidelines, 2015. Collection method: clinical testing. Allele origin: germline.

GeneDx
Classification: Likely benign. Last evaluated: 2018-02-05. Review status: criteria provided, single submitter. Criteria: GeneDx Variant Classification (06012015). Collection method: clinical testing. Allele origin: germline. Affected: yes.
Comment: This variant is considered likely benign or benign based on one or more of the following criteria: it is a conservative change, it occurs at a poorly conserved position in the protein, it is predicted to be benign by multiple in silico algorithms, and/or has population frequency not consistent with disease.

Illumina Laboratory Services, Illumina
Classification: Benign for Tibial muscular dystrophy. Last evaluated: 2018-01-13. Review status: criteria provided, single submitter. Criteria: ICSL Variant Classification Criteria 13 December 2019. Collection method: clinical testing. Allele origin: germline.
Comment: This variant was observed in the ICSL laboratory as part of a predisposition screen in an ostensibly healthy population. It had not been previously curated by ICSL or reported in the Human Gene Mutation Database (HGMD: prior to June 1st, 2018), and was therefore a candidate for classification through an automated scoring system. Utilizing variant allele frequency, disease prevalence and penetrance estimates, and inheritance mode, an automated score was calculated to assess if this variant is too frequent to cause the disease. Based on the score and internal cut-off values, a variant classified as benign is not then subjected to further curation. The score for this variant resulted in a classification of benign for this disease.

Illumina Laboratory Services, Illumina
Classification: Likely benign for Myopathy, myofibrillar, 9, with early respiratory failure. Last evaluated: 2018-01-13. Review status: criteria provided, single submitter. Criteria: ICSL Variant Classification Criteria 13 December 2019. Collection method: clinical testing. Allele origin: germline.
Comment: This variant was observed in the ICSL laboratory as part of a predisposition screen in an ostensibly healthy population. It had not been previously curated by ICSL or reported in the Human Gene Mutation Database (HGMD: prior to June 1st, 2018), and was therefore a candidate for classification through an automated scoring system. Utilizing variant allele frequency, disease prevalence and penetrance estimates, and inheritance mode, an automated score was calculated to assess if this variant is too frequent to cause the disease. Based on the score and internal cut-off values, a variant classified as likely benign is not then subjected to further curation. The score for this variant resulted in a classification of likely benign for this disease.

Illumina Laboratory Services, Illumina
Classification: Uncertain significance for Autosomal recessive limb-girdle muscular dystrophy type 2J. Last evaluated: 2018-01-13. Review status: criteria provided, single submitter. Criteria: ICSL Variant Classification Criteria 13 December 2019. Collection method: clinical testing. Allele origin: germline.

Illumina Laboratory Services, Illumina
Classification: Uncertain significance for Dilated cardiomyopathy 1G. Last evaluated: 2018-01-13. Review status: criteria provided, single submitter. Criteria: ICSL Variant Classification Criteria 13 December 2019. Collection method: clinical testing. Allele origin: germline.

Illumina Laboratory Services, Illumina
Classification: Uncertain significance for Early-onset myopathy with fatal cardiomyopathy. Last evaluated: 2018-01-13. Review status: criteria provided, single submitter. Criteria: ICSL Variant Classification Criteria 13 December 2019. Collection method: clinical testing. Allele origin: germline.

Labcorp Genetics (formerly Invitae), Labcorp
Classification: Uncertain significance for Dilated cardiomyopathy 1G; Autosomal recessive limb-girdle muscular dystrophy type 2J. Last evaluated: 2017-10-19. Review status: criteria provided, single submitter. Criteria: Invitae Variant Classification Sherloc (09022015). Collection method: clinical testing. Allele origin: germline.

Laboratory for Molecular Medicine, Mass General Brigham Personalized Medicine
Classification: Uncertain significance. Last evaluated: 2017-08-23. Review status: criteria provided, single submitter. Criteria: LMM Criteria. Collection method: clinical testing. Allele origin: germline. Observed: 1 variant allele.
Comment: The p.Glu20153Lys variant in TTN has not been previously reported in individuals with cardiomyopathy, but has been identified in 34/276136 chromosomes across mu ltiple ethnicities by the Genome Aggregation Database (gnomAD; dbSNP rs374492812). Computational prediction tools and conserv ation analysis suggest that the p.Glu20153Lys variant may impact the protein, th ough this information is not predictive enough to determine pathogenicity. In su mmary, the clinical significance of the p.Glu20153Lys variant is uncertain.

Eurofins Ntd Llc (ga)
Classification: Uncertain significance. Last evaluated: 2017-03-21. Review status: criteria provided, single submitter. Criteria: EGL Classification Definitions 2015. Collection method: clinical testing. Allele origin: germline. Observed: 3 variant alleles, 3 heterozygotes.

Biesecker Lab/Clinical Genomics Section, National Institutes of Health
Classification: Uncertain significance. Last evaluated: 2013-06-24. Review status: criteria provided, single submitter. Criteria: Ng et al. (Circ Cardiovasc Genet. 2013). Collection method: research. Allele origin: unknown. Observed: 1 variant allele. Study: ClinSeq.
Comment: The study set was not selected for affection status in relation to any cancer. Pathogenicity categories were based on literature curation. See Pubmed ID:23861362 for details.

Medical sequencing

Ambry Genetics
Classification: Uncertain significance for Cardiovascular phenotype. Last evaluated: 2013-01-28. Review status: criteria provided, single submitter. Criteria: Ambry Autosomal Dominant and X-Linked criteria (10/2015). Collection method: clinical testing. Allele origin: germline. Observed: 1 variant allele.
Comment: There is insufficient or conflicting evidence for classification of this alteration.